The following is an entry in ClinVar:

ClinVar aggregate classification (germline): Uncertain significance (1 of 4 stars; one submission).

gnomAD v4.1: 1 of 1,614,182 alleles (0.000062%); no homozygotes.

Submission:

Labcorp Genetics (formerly Invitae), Labcorp
Classification: Uncertain significance. Last evaluated: 2026-01-24. Review status: criteria provided, single submitter. Criteria: Invitae Variant Classification Sherloc (09022015). Collection method: clinical testing. Allele origin: germline.
Comment: This sequence change replaces aspartic acid, which is acidic and polar, with histidine, which is basic and polar, at codon 89 of the KLHL9 protein (p.Asp89His). This variant is not present in population databases (gnomAD no frequency). This variant has not been reported in the literature in individuals affected with KLHL9-related conditions. Invitae Evidence Modeling of protein sequence and biophysical properties (such as structural, functional, and spatial information, amino acid conservation, physicochemical variation, residue mobility, and thermodynamic stability) indicates that this missense variant is not expected to disrupt KLHL9 protein function with a negative predictive value of 80%. In summary, the available evidence is currently insufficient to determine the role of this variant in disease. Therefore, it has been classified as a Variant of Uncertain Significance.

NM_018847.4(KLHL9):c.265G>C (p.Asp89His)

Gene: KLHL9 (kelch like family member 9; minus strand). Cytogenetic location: 9p21.3.
Variant type: single nucleotide variant.
Coding change: c.265G>C on transcript NM_018847.4 (MANE Select); coding-DNA position 265, G replaced by C.
Protein change: p.Asp89His; replaces aspartic acid 89 with histidine.
Molecular consequence: missense variant.
Genome position (GRCh38, 1-based): chr9:21,334,595, C>G on the plus strand (G>C on the coding strand, the complement: KLHL9 is on the minus strand). VCF-style: chr9-21334595-C-G. GRCh37 (hg19) VCF-style: chr9-21334594-C-G.
Other names: short protein forms D89H.
Identifiers: ClinVar variation 4768280 (VCV004768280.1).